The following is an entry in ClinVar:

NM_032242.4(PLXNA1):c.603G>A (p.Leu201=)

Gene: PLXNA1 (plexin A1; plus strand). Cytogenetic location: 3q21.3.
Variant type: single nucleotide variant.
Coding change: c.603G>A on transcript NM_032242.4 (MANE Select); coding-DNA position 603, G replaced by A.
Protein change: p.Leu201=; no amino-acid change (leucine 201 retained).
Molecular consequence: synonymous variant.
Genome position (GRCh38, 1-based): chr3:126,989,196, G>A. VCF-style: chr3-126989196-G-A. GRCh37 (hg19) VCF-style: chr3-126708039-G-A.
Identifiers: ClinVar variation 4999344 (VCV004999344.1).

ClinVar aggregate classification (germline): Likely benign (1 of 4 stars; one submission).

Conditions:
PLXNA1-related disorder. Also called: PLXNA1-related condition.

gnomAD v4.1: 2 of 1,613,460 alleles (0.00012%); highest among the groups gnomAD compares: African/African-American, 0.0027%; no homozygotes.

Submission:

PreventionGenetics, part of Exact Sciences
Classification: Likely benign for PLXNA1-related condition. Last evaluated: 2024-11-27. Review status: criteria provided, single submitter. Criteria: ACMG Guidelines, 2015. Collection method: clinical testing. Allele origin: germline.
Comment: This variant is classified as likely benign based on ACMG/AMP sequence variant interpretation guidelines (Richards et al. 2015 PMID: 25741868, with internal and published modifications).